The following is an entry in ClinVar:

NM_001014.5(RPS10):c.164G>A (p.Arg55Gln)

Genes: RPS10 (ribosomal protein S10; minus strand), RPS10-NUDT3 (RPS10-NUDT3 readthrough; minus strand). Cytogenetic location: 6p21.31.
Variant type: single nucleotide variant.
Coding change: c.164G>A on transcript NM_001014.5 (MANE Select); coding-DNA position 164, G replaced by A.
Protein change: p.Arg55Gln; replaces arginine 55 with glutamine.
Molecular consequence: missense variant.
Genome position (GRCh38, 1-based): chr6:34,424,827, C>T on the plus strand (G>A on the coding strand, the complement: RPS10 is on the minus strand). VCF-style: chr6-34424827-C-T. GRCh37 (hg19) VCF-style: chr6-34392604-C-T.
Other names: c.164G>A (NM_001202470.2); c.164G>A, p.Arg55Gln (NM_001202470.3, NM_001203245.3, NM_001204091.2); short protein forms R55Q.
Identifiers: ClinVar variation 1434585 (VCV001434585.7), dbSNP rs1765898082, ClinGen allele CA363885318.

ClinVar aggregate classification (germline): Uncertain significance. Review status: criteria provided, multiple submitters, no conflicts (2 of 4 stars). 2 submissions from 2 submitters: Uncertain significance (2). Last evaluated 2025-01-22.

Conditions:
Diamond-Blackfan anemia. Also called: Blackfan Diamond syndrome; Aregenerative anemia chronic congenital; Red cell aplasia, pure hereditary; Congenital hypoplastic anemia; Aase syndrome. Identifiers: Orphanet 124, MedGen C1260899, MeSH D029503, MONDO:0015253, HP:0004810.

Allele frequency attached by ClinVar (database versions not stated): gnomAD exomes below 0.00001; gnomAD 0.00001; TOPMed 0.00002.
gnomAD v4.1: 6 of 1,613,762 alleles (0.00037%); highest among the groups gnomAD compares: African/African-American, 0.0013%; no homozygotes.

Submissions (2):

Ambry Genetics
Classification: Uncertain significance. Last evaluated: 2025-01-22. Review status: criteria provided, single submitter. Criteria: Ambry Variant Classification Scheme 2023. Collection method: clinical testing. Allele origin: germline.

Labcorp Genetics (formerly Invitae), Labcorp
Classification: Uncertain significance for Diamond-Blackfan anemia. Last evaluated: 2021-09-22. Review status: criteria provided, single submitter. Criteria: Invitae Variant Classification Sherloc (09022015). Collection method: clinical testing. Allele origin: germline.
Comment: This sequence change replaces arginine with glutamine at codon 55 of the RPS10 protein (p.Arg55Gln). The arginine residue is moderately conserved and there is a small physicochemical difference between arginine and glutamine. This variant is not present in population databases (ExAC no frequency). This variant has not been reported in the literature in individuals affected with RPS10-related conditions. Algorithms developed to predict the effect of missense changes on protein structure and function (SIFT, PolyPhen-2, Align-GVGD) all suggest that this variant is likely to be tolerated. In summary, the available evidence is currently insufficient to determine the role of this variant in disease. Therefore, it has been classified as a Variant of Uncertain Significance.